The following is an entry in ClinVar:

ClinVar aggregate classification (germline): Uncertain significance (1 of 4 stars; one submission).

Conditions:
SHORT syndrome. Also called: LIPODYSTROPHY, PARTIAL, WITH RIEGER ANOMALY AND SHORT STATURE; PIK3R1-Related SHORT Syndrome; SHORT STATURE, HYPEREXTENSIBILITY, HERNIA, OCULAR DEPRESSION, RIEGER ANOMALY, AND TEETHING DELAY. Identifiers: Orphanet 3163, MedGen C0878684, MONDO:0010026, OMIM 269880.
Agammaglobulinemia 7, autosomal recessive (AGM7). Also called: AGAMMAGLOBULINEMIA, AUTOSOMAL RECESSIVE, DUE TO PIK3R1 DEFECT. Identifiers: MedGen C3554689, MONDO:0014083, OMIM 615214.
Immunodeficiency 36 with lymphoproliferation. Also called: Immunodeficiency 36; ACTIVATED PI3K-DELTA SYNDROME 2; Activated PI3K Delta Syndrome Type 2 (APDS2). Identifiers: Orphanet 397596, Orphanet 693681, MedGen C4014934, MONDO:0014453, OMIM 616005.

Allele frequency attached by ClinVar (database versions not stated): gnomAD 0.00001; TOPMed 0.00001; ExAC 0.00002; 1000 Genomes Project 30x 0.00016; 1000 Genomes Project 0.00020.
gnomAD v4.1: 9 of 1,600,500 alleles (0.00056%); highest among the groups gnomAD compares: South Asian, 0.01%; no homozygotes.

Submission:

Labcorp Genetics (formerly Invitae), Labcorp
Classification: Uncertain significance for SHORT syndrome; Immunodeficiency 36 with lymphoproliferation; Agammaglobulinemia 7, autosomal recessive. Last evaluated: 2023-09-19. Review status: criteria provided, single submitter. Criteria: Invitae Variant Classification Sherloc (09022015). Collection method: clinical testing. Allele origin: germline.
Comment: This variant is present in population databases (rs548421904, gnomAD 0.003%). In summary, the available evidence is currently insufficient to determine the role of this variant in disease. Therefore, it has been classified as a Variant of Uncertain Significance. Algorithms developed to predict the effect of sequence changes on RNA splicing suggest that this variant may create or strengthen a splice site. This variant has not been reported in the literature in individuals affected with PIK3R1-related conditions. This sequence change falls in intron 7 of the PIK3R1 gene. It does not directly change the encoded amino acid sequence of the PIK3R1 protein.

NM_181523.3(PIK3R1):c.917-5T>A

Gene: PIK3R1 (phosphoinositide-3-kinase regulatory subunit 1; plus strand). Cytogenetic location: 5q13.1.
Variant type: single nucleotide variant.
Coding change: c.917-5T>A on transcript NM_181523.3 (MANE Select); 5 bases into the intron before coding-DNA position 917, T replaced by A.
Molecular consequence: intron variant.
Genome position (GRCh38, 1-based): chr5:68,292,254, T>A. VCF-style: chr5-68292254-T-A. GRCh37 (hg19) VCF-style: chr5-67588082-T-A.
Other names: c.17-5T>A (NM_181524.2); c.107-5T>A (NM_181504.4).
Identifiers: ClinVar variation 2939428 (VCV002939428.3), dbSNP rs548421904, ClinGen allele CA3290252.